The following is an entry in ClinVar:

ClinVar aggregate classification (germline): Likely pathogenic. Review status: criteria provided, multiple submitters, no conflicts (2 of 4 stars). 3 submissions from 3 submitters: Likely pathogenic (3). Last evaluated 2025-09-30.

Conditions:
Factor VII deficiency. Also called: F7 DEFICIENCY; HYPOPROCONVERTINEMIA; Factor 7 deficiency. Identifiers: MedGen C0015503, MeSH D005168, MONDO:0002244.
Congenital factor VII deficiency. Identifiers: Orphanet 327, MedGen C0272320, MONDO:0009211, OMIM 227500.

Allele frequency attached by ClinVar (database versions not stated): TOPMed 0.00003; 1000 Genomes Project 0.00020; ExAC 0.00148; 1000 Genomes Project 30x 0.00016; gnomAD exomes 0.00048.
gnomAD v4.1: 297 of 1,571,820 alleles (0.019%); highest among the groups gnomAD compares: South Asian, 0.29%; 4 homozygotes.

Submissions (3):

North West Genomic Laboratory Hub, Manchester University NHS Foundation Trust
Classification: Likely pathogenic for Factor VII deficiency. Last evaluated: 2025-09-30. Review status: criteria provided, single submitter. Criteria: ACGS Best Practice Guidelines for Variant Classification in Rare Disease 2024. Collection method: clinical testing. Allele origin: germline. Affected: yes.
Comment: PS3_Supp PM3_Str PP4_Mod

First Genomix Gene Laboratory, Genetic Diagnostics Department
Classification: Likely pathogenic for Congenital factor VII deficiency. Last evaluated: 2025-01-06. Review status: criteria provided, single submitter. Criteria: ACMG Guidelines, 2015. Collection method: clinical testing. Allele origin: germline. Inheritance: Autosomal recessive inheritance. Affected: no. Observed: 1 variant allele.

NIHR Bioresource Rare Diseases, University of Cambridge
Classification: Likely pathogenic for Congenital factor VII deficiency. Last evaluated: 2019-02-01. Review status: criteria provided, single submitter. Criteria: ACMG Guidelines, 2015. Collection method: research. Allele origin: unknown. Affected: yes. Observed: 3 heterozygotes, 1 compound heterozygote. Study: ThromboGenomics.

Literature cited by the submitters: PubMed 31064749 (cited by NIHR Bioresource Rare Diseases, University of Cambridge).

NM_019616.4(F7):c.-30A>C

Gene: F7 (coagulation factor VII; plus strand). Cytogenetic location: 13q34.
Variant type: single nucleotide variant.
Coding change: c.-30A>C on transcript NM_019616.4 (MANE Select); 30 bases upstream of the start codon, A replaced by C.
Molecular consequence: 5 prime UTR variant. On other transcripts: non-coding transcript variant (1).
Genome position (GRCh38, 1-based): chr13:113,105,812, A>C. VCF-style: chr13-113105812-A-C. GRCh37 (hg19) VCF-style: chr13-113760126-A-C.
Other names: c.-30A>C (NM_000131.5, NM_001267554.2).
Identifiers: ClinVar variation 626922 (VCV000626922.4), dbSNP rs539578931, ClinGen allele CA7059796.
Genomic context (GRCh38, chr13:113,105,812, plus strand): 5'-TCCCTCTGTCACCCTTGGAGGCAGAGAACTTTGCCCGTCAGTCCCATGGGGAATGTCAAC[A>C]GGCAGGGGCAGCACTGCAGAGATTTCATCATGGTCTCCCAGGCCCTCAGGCTCCTCTGCC-3'